The following is an entry in ClinVar:

NM_172107.4(KCNQ2):c.-32A>G

Gene: KCNQ2 (potassium voltage-gated channel subfamily Q member 2; minus strand). Cytogenetic location: 20q13.33.
Variant type: single nucleotide variant.
Coding change: c.-32A>G on transcript NM_172107.4 (MANE Select); 32 bases upstream of the start codon, A replaced by G.
Molecular consequence: 5 prime UTR variant.
Genome position (GRCh38, 1-based): chr20:63,472,495, T>C on the plus strand (A>G on the coding strand, the complement: KCNQ2 is on the minus strand). VCF-style: chr20-63472495-T-C. GRCh37 (hg19) VCF-style: chr20-62103848-T-C.
Other names: c.-32A>G (NM_004518.6, NM_172106.3, NM_172108.5 and 1 more transcripts).
Identifiers: ClinVar variation 205855 (VCV000205855.1), dbSNP rs796052610, ClinGen allele CA315332.

ClinVar aggregate classification (germline): Likely benign (1 of 4 stars; one submission).

Allele frequency attached by ClinVar (database versions not stated): gnomAD exomes below 0.00001.
gnomAD v4.1: 1 of 1,454,788 alleles (0.000069%); highest among the groups gnomAD compares: Non-Finnish European, 0.00009%; no homozygotes.

Submission:

GeneDx
Classification: Likely benign. Last evaluated: 2012-05-17. Review status: criteria provided, single submitter. Criteria: GeneDx Variant Classification (06012015). Collection method: clinical testing. Allele origin: germline. Affected: yes.
Comment: This variant is considered likely benign or benign based on one or more of the following criteria: it is a conservative change, it occurs at a poorly conserved position in the protein, it is predicted to be benign by multiple in silico algorithms, and/or has population frequency not consistent with disease.